The following is an entry in ClinVar:

NM_000173.7(GP1BA):c.588A>G (p.Gln196=)

Gene: GP1BA (glycoprotein Ib platelet subunit alpha; plus strand). Cytogenetic location: 17p13.2.
Variant type: single nucleotide variant.
Coding change: c.588A>G on transcript NM_000173.7 (MANE Select); coding-DNA position 588, A replaced by G.
Protein change: p.Gln196=; no amino-acid change (glutamine 196 retained).
Molecular consequence: synonymous variant.
Genome position (GRCh38, 1-based): chr17:4,933,192, A>G. VCF-style: chr17-4933192-A-G. GRCh37 (hg19) VCF-style: chr17-4836487-A-G.
Identifiers: ClinVar variation 2628508 (VCV002628508.1), dbSNP rs1567647945, ClinGen allele CA497677677.

ClinVar aggregate classification (germline): Uncertain significance (1 of 4 stars; one submission).

Conditions:
GP1BA-related disorder. Also called: GP1BA-related condition.

Submission:

PreventionGenetics, part of Exact Sciences
Classification: Uncertain significance for GP1BA-related condition. Last evaluated: 2023-01-18. Review status: criteria provided, single submitter. Criteria: ACMG Guidelines, 2015. Collection method: clinical testing. Allele origin: germline.
Comment: The GP1BA c.588A>G variant is not predicted to result in an amino acid change (p.=). This variant is predicted to alter splicing based on available splicing prediction programs (Alamut Visual v2.11). However, such computer prediction programs are imperfect. To our knowledge, this variant has not been reported in the literature. This variant is reported in 0.00089% of alleles in individuals of European (Non-Finnish) descent in gnomAD. At this time, the clinical significance of this variant is uncertain due to the absence of conclusive functional and genetic evidence.